The following is an entry in ClinVar:

ClinVar aggregate classification (germline): Uncertain significance. Review status: criteria provided, multiple submitters, no conflicts (2 of 4 stars). 5 submissions from 5 submitters: Uncertain significance (5). Last evaluated 2026-02-20.

Conditions:
Cardiovascular phenotype. Identifiers: MedGen CN230736.
RASopathy. Also called: Noonan spectrum disorder; rasopathies. Identifiers: Orphanet 536391, MedGen C5555857, MONDO:0021060.
Noonan syndrome 7 (NS7). Also called: BRAF-Related Noonan Syndrome. Identifiers: Orphanet 648, MedGen C3150970, MONDO:0013379, OMIM 613706.

Allele frequency attached by ClinVar (database versions not stated): gnomAD exomes below 0.00001 and 0.00001; ExAC 0.00001; gnomAD 0.00001; TOPMed 0.00001.
gnomAD v4.1: 18 of 1,604,588 alleles (0.0011%); highest among the groups gnomAD compares: African/African-American, 0.0013%; no homozygotes.

Submissions (5):

St. Jude Molecular Pathology, St. Jude Children's Research Hospital
Classification: Uncertain significance for Noonan syndrome 7. Last evaluated: 2026-02-20. Review status: criteria provided, single submitter. Criteria: St. Jude Assertion Criteria 2020. Collection method: clinical testing. Allele origin: germline.
Comment: The BRAF c .229A>G p.(Ile77Val) missense change has a maximum subpopulation frequency of 0.0009% in gnomAD v2.1.1. The in silico tool REVEL predicts is inconclusive about a pathogenic or benign effect of this variant on protein function, and to our knowledge functional studies have not been performed. To our knowledge, this variant has not been reported in individuals with RASopathy conditions. In summary, the evidence currently available is insufficient to determine the clinic al significance of this variant. It has therefore been classified as of uncertain significance.

Labcorp Genetics (formerly Invitae), Labcorp
Classification: Uncertain significance for RASopathy. Last evaluated: 2025-11-13. Review status: criteria provided, single submitter. Criteria: Invitae Variant Classification Sherloc (09022015). Collection method: clinical testing. Allele origin: germline.
Comment: This sequence change replaces isoleucine, which is neutral and non-polar, with valine, which is neutral and non-polar, at codon 77 of the BRAF protein (p.Ile77Val). This variant is present in population databases (rs764408896, gnomAD 0.002%). This variant has not been reported in the literature in individuals affected with BRAF-related conditions. ClinVar contains an entry for this variant (Variation ID: 1461844). Invitae Evidence Modeling incorporating data from in vitro experimental studies (internal data) indicates that this missense variant is not expected to disrupt BRAF function with a negative predictive value of 95%. In summary, the available evidence is currently insufficient to determine the role of this variant in disease. Therefore, it has been classified as a Variant of Uncertain Significance.

GeneDx
Classification: Uncertain significance. Last evaluated: 2024-11-26. Review status: criteria provided, single submitter. Criteria: GeneDx Variant Classification Process June 2021. Collection method: clinical testing. Allele origin: germline. Affected: yes.
Comment: Missense variants in this gene are a common cause of disease and they are underrepresented in the general population; In silico analysis indicates that this missense variant does not alter protein structure/function; Has not been previously published as pathogenic or benign to our knowledge

Blueprint Genetics
Classification: Uncertain significance. Last evaluated: 2021-10-11. Review status: criteria provided, single submitter. Criteria: ACMG Guidelines, 2015. Collection method: clinical testing. Allele origin: germline.

Ambry Genetics
Classification: Uncertain significance for Cardiovascular phenotype. Last evaluated: 2021-09-26. Review status: criteria provided, single submitter. Criteria: Ambry Variant Classification Scheme 2023. Collection method: clinical testing. Allele origin: germline.
Comment: The p.I77V variant (also known as c.229A>G), located in coding exon 2 of the BRAF gene, results from an A to G substitution at nucleotide position 229. The isoleucine at codon 77 is replaced by valine, an amino acid with highly similar properties. This amino acid position is conserved. In addition, this alteration is predicted to be tolerated by in silico analysis. Since supporting evidence is limited at this time, the clinical significance of this alteration remains unclear.

NM_004333.6(BRAF):c.229A>G (p.Ile77Val)

Gene: BRAF (B-Raf proto-oncogene, serine/threonine kinase; minus strand). Cytogenetic location: 7q34.
Variant type: single nucleotide variant.
Coding change: c.229A>G on transcript NM_004333.6 (MANE Select); coding-DNA position 229, A replaced by G.
Protein change: p.Ile77Val; replaces isoleucine 77 with valine.
Molecular consequence: missense variant. On other transcripts: intron variant (1).
Genome position (GRCh38, 1-based): chr7:140,850,122, T>C on the plus strand (A>G on the coding strand, the complement: BRAF is on the minus strand). VCF-style: chr7-140850122-T-C. GRCh37 (hg19) VCF-style: chr7-140549922-T-C.
Other names: c.229A>G, p.Ile77Val (NM_001354609.2, NM_001374244.1, NM_001374258.1 and 6 more transcripts); c.73A>G, p.Ile25Val (NM_001378472.1, NM_001378473.1); c.139-15250A>G (NM_001378470.1); short protein forms I25V, I77V.
Identifiers: ClinVar variation 1461844 (VCV001461844.13), dbSNP rs764408896, ClinGen allele CA4517020.
Genomic context (GRCh38, chr7:140,850,122, plus strand): 5'-TCATTTTTTTTCTTTTCAAAATTACTAGATATGATACTCAAAAGCTTACCTCCAGATATA[T>C]TGATGGTGGATTATGCTCCCCACCAAATTTGTCCAATAGGGCCTCTATATGTTCCTGTGT-3'
Protein context (NP_004324.2, residues 67-87): KFGGEHNPPS[Ile77Val]YLEAYEEYTS